The following is an entry in ClinVar:

ClinVar aggregate classification (germline): Uncertain significance (1 of 4 stars; one submission).

Conditions:
Nemaline myopathy 10 (NEM10). Identifiers: MedGen C4015360, MONDO:0014513, OMIM 616165.

Allele frequency attached by ClinVar (database versions not stated): ExAC 0.00001.

Submission:

Labcorp Genetics (formerly Invitae), Labcorp
Classification: Uncertain significance for Nemaline myopathy 10. Last evaluated: 2022-10-17. Review status: criteria provided, single submitter. Criteria: Invitae Variant Classification Sherloc (09022015). Collection method: clinical testing. Allele origin: germline.
Comment: In summary, the available evidence is currently insufficient to determine the role of this variant in disease. Therefore, it has been classified as a Variant of Uncertain Significance. Algorithms developed to predict the effect of missense changes on protein structure and function (SIFT, PolyPhen-2, Align-GVGD) all suggest that this variant is likely to be tolerated. This variant has not been reported in the literature in individuals affected with LMOD3-related conditions. The frequency data for this variant in the population databases is considered unreliable, as metrics indicate poor data quality at this position in the gnomAD database. This sequence change replaces cysteine, which is neutral and slightly polar, with tyrosine, which is neutral and polar, at codon 188 of the LMOD3 protein (p.Cys188Tyr).

NM_198271.5(LMOD3):c.563G>A (p.Cys188Tyr)

Gene: LMOD3 (leiomodin 3; minus strand). Cytogenetic location: 3p14.1.
Variant type: single nucleotide variant.
Coding change: c.563G>A on transcript NM_198271.5 (MANE Select); coding-DNA position 563, G replaced by A.
Protein change: p.Cys188Tyr; replaces cysteine 188 with tyrosine.
Molecular consequence: missense variant.
Genome position (GRCh38, 1-based): chr3:69,119,792, C>T on the plus strand (G>A on the coding strand, the complement: LMOD3 is on the minus strand). VCF-style: chr3-69119792-C-T. GRCh37 (hg19) VCF-style: chr3-69168943-C-T.
Other names: c.563G>A, p.Cys188Tyr (NM_001304418.3); short protein forms C188Y.
Identifiers: ClinVar variation 2099267 (VCV002099267.4), dbSNP rs764995274, ClinGen allele CA2488959.